The following is an entry in ClinVar:

NM_006922.4(SCN3A):c.5441_5442del (p.Leu1813_Ser1814insTer)

Gene: SCN3A (sodium voltage-gated channel alpha subunit 3; minus strand). Cytogenetic location: 2q24.3.
Variant type: Microsatellite.
Coding change: c.5441_5442del on transcript NM_006922.4 (MANE Select); coding-DNA positions 5441 to 5442, 2 bases deleted (CT; older notation c.5441_5442delCT).
Protein change: p.Leu1813_Ser1814insTer.
Molecular consequence: nonsense.
Genome position (GRCh38, 1-based): chr2:165,090,711-165,090,712, AG deleted on the plus strand (CT on the coding strand, the reverse complement: SCN3A is on the minus strand); deleting any 2 consecutive bases within chr2:165,090,711-165,090,716 gives the same sequence; the c. name uses the placement nearest the transcript's 3' end. VCF-style (leftmost placement, unchanged base first): chr2-165090710-CAG-C. GRCh37 (hg19) VCF-style: chr2-165947220-CAG-C.
Other names: c.5294_5295del, p.Leu1764_Ser1765insTer (NM_001081676.2, NM_001081677.2); c.5441_5442delCT (NM_006922.3); c.5441_5442del (NM_006922.3).
Identifiers: ClinVar variation 523918 (VCV000523918.3), dbSNP rs1553517203, ClinGen allele CA658795918.

ClinVar aggregate classification (germline): Likely pathogenic (1 of 4 stars; one submission).

Submission:

GeneDx
Classification: Likely pathogenic. Last evaluated: 2025-01-31. Review status: criteria provided, single submitter. Criteria: GeneDx Variant Classification Process June 2021. Collection method: clinical testing. Allele origin: germline. Affected: yes.
Comment: Not observed at significant frequency in large population cohorts (gnomAD); Nonsense variant predicted to result in protein truncation as the last 187 amino acids are lost; This variant is associated with the following publications: (PMID: 33057194, 35982159)